The following is an entry in ClinVar:

NM_006231.4(POLE):c.6508T>G (p.Cys2170Gly)

Gene: POLE (DNA polymerase epsilon, catalytic subunit; minus strand). Cytogenetic location: 12q24.33.
Variant type: single nucleotide variant.
Coding change: c.6508T>G on transcript NM_006231.4 (MANE Select); coding-DNA position 6508, T replaced by G.
Protein change: p.Cys2170Gly; replaces cysteine 2170 with glycine.
Molecular consequence: missense variant.
Genome position (GRCh38, 1-based): chr12:132,626,140, A>C on the plus strand (T>G on the coding strand, the complement: POLE is on the minus strand). VCF-style: chr12-132626140-A-C. GRCh37 (hg19) VCF-style: chr12-133202726-A-C.
Other names: short protein forms C2170G.
Identifiers: ClinVar variation 2170289 (VCV002170289.4), dbSNP rs138094751, ClinGen allele CA387367195.

ClinVar aggregate classification (germline): Uncertain significance (1 of 4 stars; one submission).

Submission:

Labcorp Genetics (formerly Invitae), Labcorp
Classification: Uncertain significance. Last evaluated: 2022-07-21. Review status: criteria provided, single submitter. Criteria: Invitae Variant Classification Sherloc (09022015). Collection method: clinical testing. Allele origin: germline.
Comment: In summary, the available evidence is currently insufficient to determine the role of this variant in disease. Therefore, it has been classified as a Variant of Uncertain Significance. Algorithms developed to predict the effect of sequence changes on RNA splicing suggest that this variant may create or strengthen a splice site. Algorithms developed to predict the effect of missense changes on protein structure and function (SIFT, PolyPhen-2, Align-GVGD) all suggest that this variant is likely to be tolerated. This variant has not been reported in the literature in individuals affected with POLE-related conditions. This variant is not present in population databases (gnomAD no frequency). This sequence change replaces cysteine, which is neutral and slightly polar, with glycine, which is neutral and non-polar, at codon 2170 of the POLE protein (p.Cys2170Gly).